The following is an entry in ClinVar:

NM_006231.4(POLE):c.4752C>T (p.Leu1584=)

Gene: POLE (DNA polymerase epsilon, catalytic subunit; minus strand). Cytogenetic location: 12q24.33.
Variant type: single nucleotide variant.
Coding change: c.4752C>T on transcript NM_006231.4 (MANE Select); coding-DNA position 4752, C replaced by T.
Protein change: p.Leu1584=; no amino-acid change (leucine 1584 retained).
Molecular consequence: synonymous variant.
Genome position (GRCh38, 1-based): chr12:132,642,706, G>A on the plus strand (C>T on the coding strand, the complement: POLE is on the minus strand). VCF-style: chr12-132642706-G-A. GRCh37 (hg19) VCF-style: chr12-133219292-G-A.
Identifiers: ClinVar variation 392093 (VCV000392093.3), dbSNP rs1057524354, ClinGen allele CA16607130.

ClinVar aggregate classification (germline): Likely benign. Review status: criteria provided, multiple submitters, no conflicts (2 of 4 stars). 2 submissions from 2 submitters: Likely benign (2). Last evaluated 2020-03-28.

Conditions:
Hereditary cancer-predisposing syndrome. Also called: Neoplastic Syndromes, Hereditary; Hereditary Cancer Syndrome; Tumor predisposition; Hereditary neoplastic syndrome. Identifiers: Orphanet 140162, MedGen C0027672, MeSH D009386, MONDO:0015356.

Submissions (2):

Ambry Genetics
Classification: Likely benign for Hereditary cancer-predisposing syndrome. Last evaluated: 2020-03-28. Review status: criteria provided, single submitter. Criteria: Ambry Variant Classification Scheme 2023. Collection method: clinical testing. Allele origin: germline.

GeneDx
Classification: Likely benign. Last evaluated: 2016-12-19. Review status: criteria provided, single submitter. Criteria: GeneDx Variant Classification (06012015). Collection method: clinical testing. Allele origin: germline. Affected: yes.
Comment: This variant is considered likely benign or benign based on one or more of the following criteria: it is a conservative change, it occurs at a poorly conserved position in the protein, it is predicted to be benign by multiple in silico algorithms, and/or has population frequency not consistent with disease.